The following is an entry in ClinVar:

NM_001368894.2(PAX6):c.553C>A (p.Gln185Lys)

Gene: PAX6 (paired box 6; minus strand). Cytogenetic location: 11p13.
Variant type: single nucleotide variant.
Coding change: c.553C>A on transcript NM_001368894.2 (MANE Select); coding-DNA position 553, C replaced by A.
Protein change: p.Gln185Lys; replaces glutamine 185 with lysine.
Molecular consequence: missense variant. On other transcripts: non-coding transcript variant (2).
Genome position (GRCh38, 1-based): chr11:31,800,703, G>T on the plus strand (C>A on the coding strand, the complement: PAX6 is on the minus strand). VCF-style: chr11-31800703-G-T. GRCh37 (hg19) VCF-style: chr11-31822251-G-T.
Other names: c.511C>A, p.Gln171Lys (NM_000280.6, NM_001127612.3, NM_001258464.2 and 10 more transcripts); c.553C>A, p.Gln185Lys (NM_001258462.3, NM_001258463.2, NM_001310158.2 and 6 more transcripts); c.103C>A, p.Gln35Lys (NM_001310160.2, NM_001310161.3, NM_001368899.2 and 11 more transcripts); c.754C>A, p.Gln252Lys (NM_001368910.2); c.556C>A, p.Gln186Lys (NM_001368911.2); c.628C>A, p.Gln210Lys (NM_001368918.2, NM_001368919.2); c.586C>A, p.Gln196Lys (NM_001368920.2); c.352C>A, p.Gln118Lys (NM_001368921.2, NM_001368922.2, NM_001368923.2 and 4 more transcripts); and 1 more; short protein forms Q185K, Q196K, Q252K, Q171K, Q118K, Q210K, Q35K, Q104K.
Identifiers: ClinVar variation 1478313 (VCV001478313.6), dbSNP rs1131692308, ClinGen allele CA379957914.
Genomic context (GRCh38, chr11:31,800,703, plus strand): 5'-AAGGGATGCACATATGGAGAGCTGCGTGGATGGCTGCTTGGGTTTTACCTTGCGTAGGTT[G>T]CCCTGGCACCGAAGTCCCCGGATACCAACCAGGGCGGGTGCCCCAGCTTCCGGTCTGCCC-3'
Protein context (NP_001355823.1, residues 175-195): GWYPGTSVPG[Gln185Lys]PTQDGCQQQE

ClinVar aggregate classification (germline): Uncertain significance (1 of 4 stars; one submission).

Conditions:
Aniridia 1 (AN1). Identifiers: Orphanet 250923, MedGen C0344542, MONDO:0024507, OMIM 106210.
Irido-corneo-trabecular dysgenesis (ASGD5). Also called: ANTERIOR SEGMENT DYSGENESIS 5. Identifiers: Orphanet 708, MedGen C0344559, MONDO:0011414, OMIM 604229, HP:0000659.

Allele frequency attached by ClinVar (database versions not stated): gnomAD exomes below 0.00001.
gnomAD v4.1: 4 of 1,614,148 alleles (0.00025%); highest among the groups gnomAD compares: Non-Finnish European, 0.00034%; no homozygotes.

Submission:

Labcorp Genetics (formerly Invitae), Labcorp
Classification: Uncertain significance for Aniridia 1; Irido-corneo-trabecular dysgenesis. Last evaluated: 2022-01-05. Review status: criteria provided, single submitter. Criteria: Invitae Variant Classification Sherloc (09022015). Collection method: clinical testing. Allele origin: germline.
Comment: This sequence change replaces glutamine, which is neutral and polar, with lysine, which is basic and polar, at codon 171 of the PAX6 protein (p.Gln171Lys). In summary, the available evidence is currently insufficient to determine the role of this variant in disease. Therefore, it has been classified as a Variant of Uncertain Significance. Advanced modeling of protein sequence and biophysical properties (such as structural, functional, and spatial information, amino acid conservation, physicochemical variation, residue mobility, and thermodynamic stability) performed at Invitae indicates that this missense variant is not expected to disrupt PAX6 protein function. This variant has not been reported in the literature in individuals affected with PAX6-related conditions. This variant is not present in population databases (gnomAD no frequency).